The following is an entry in ClinVar:

NM_020191.4(MRPS22):c.936G>C (p.Gln312His)

Gene: MRPS22 (mitochondrial ribosomal protein S22; plus strand). Cytogenetic location: 3q23.
Variant type: single nucleotide variant.
Coding change: c.936G>C on transcript NM_020191.4 (MANE Select); coding-DNA position 936, G replaced by C.
Protein change: p.Gln312His; replaces glutamine 312 with histidine.
Molecular consequence: missense variant.
Genome position (GRCh38, 1-based): chr3:139,355,739, G>C. VCF-style: chr3-139355739-G-C. GRCh37 (hg19) VCF-style: chr3-139074581-G-C.
Other names: c.813G>C, p.Gln271His (NM_001363857.1); c.933G>C, p.Gln311His (NM_001363893.1); c.936G>C (NM_020191.2); short protein forms Q271H, Q311H, Q312H.
Identifiers: ClinVar variation 1714468 (VCV001714468.6), dbSNP rs745352364, ClinGen allele CA354764910.

ClinVar aggregate classification (germline): Uncertain significance. Review status: criteria provided, multiple submitters, no conflicts (2 of 4 stars). 2 submissions from 2 submitters: Uncertain significance (2). Last evaluated 2026-03-12.

Allele frequency attached by ClinVar (database versions not stated): gnomAD 0.00002.
gnomAD v4.1: 3 of 1,614,070 alleles (0.00019%); highest among the groups gnomAD compares: African/African-American, 0.004%; no homozygotes.

Submissions (2):

GeneDx
Classification: Uncertain significance. Last evaluated: 2026-03-12. Review status: criteria provided, single submitter. Criteria: GeneDx Variant Classification Process June 2021. Collection method: clinical testing. Allele origin: germline.
Comment: Not observed at significant frequency in large population cohorts (gnomAD); In silico analysis suggests that this missense variant does not alter protein structure/function; Has not been previously published as pathogenic or benign to our knowledge

Labcorp Genetics (formerly Invitae), Labcorp
Classification: Uncertain significance. Last evaluated: 2022-07-30. Review status: criteria provided, single submitter. Criteria: Invitae Variant Classification Sherloc (09022015). Collection method: clinical testing. Allele origin: germline.
Comment: This variant is not present in population databases (gnomAD no frequency). This variant has not been reported in the literature in individuals affected with MRPS22-related conditions. Algorithms developed to predict the effect of missense changes on protein structure and function output the following: SIFT: "Tolerated"; PolyPhen-2: "Benign"; Align-GVGD: "Class C0". The histidine amino acid residue is found in multiple mammalian species, which suggests that this missense change does not adversely affect protein function. In summary, the available evidence is currently insufficient to determine the role of this variant in disease. Therefore, it has been classified as a Variant of Uncertain Significance. This sequence change replaces glutamine, which is neutral and polar, with histidine, which is basic and polar, at codon 312 of the MRPS22 protein (p.Gln312His).